The following is an entry in ClinVar:

NM_001197104.2(KMT2A):c.4061C>A (p.Pro1354His)

Gene: KMT2A (lysine methyltransferase 2A; plus strand). Cytogenetic location: 11q23.3.
Variant type: single nucleotide variant.
Coding change: c.4061C>A on transcript NM_001197104.2 (MANE Select); coding-DNA position 4061, C replaced by A.
Protein change: p.Pro1354His; replaces proline 1354 with histidine.
Molecular consequence: missense variant.
Genome position (GRCh38, 1-based): chr11:118,482,470, C>A. VCF-style: chr11-118482470-C-A. GRCh37 (hg19) VCF-style: chr11-118353185-C-A.
Other names: NC_000011.9:g.118353185C>A; c.4061C>A, p.Pro1354His (NM_005933.4); short protein forms P1354H.
Identifiers: ClinVar variation 1302361 (VCV001302361.3), dbSNP rs201813757, ClinGen allele CA229527929.

ClinVar aggregate classification (germline): Uncertain significance (1 of 4 stars; one submission).

Allele frequency attached by ClinVar (database versions not stated): gnomAD 0.00001; gnomAD exomes 0.00001; TOPMed 0.00001; 1000 Genomes Project 30x 0.00016; 1000 Genomes Project 0.00020.
gnomAD v4.1: 10 of 1,612,978 alleles (0.00062%); highest among the groups gnomAD compares: East Asian, 0.018%; no homozygotes.

Submissions (2):

GeneDx
Classification: Uncertain significance. Last evaluated: 2020-10-27. Review status: criteria provided, single submitter. Criteria: GeneDx Variant Classification Process June 2021. Collection method: clinical testing. Allele origin: germline. Affected: yes.
Comment: In silico analysis supports that this missense variant has a deleterious effect on protein structure/function; Has not been previously published as pathogenic or benign to our knowledge

Dr. Peter K. Rogan Lab, Western University
No classification provided (evidence only). Condition: Colon adenocarcinoma. Review status: no classification provided. Collection method: in vitro. Allele origin: not applicable. Functional consequence: skipped exon. Not counted in ClinVar's aggregate classification.